The following is an entry in ClinVar:

NM_001378615.1(CC2D2A):c.2162C>T (p.Pro721Leu)

Genes: CC2D2A (coiled-coil and C2 domain containing 2A; plus strand), FBXL5 (F-box and leucine rich repeat protein 5; minus strand). Cytogenetic location: 4p15.32.
Variant type: single nucleotide variant.
Coding change: c.2162C>T on transcript NM_001378615.1 (MANE Select); coding-DNA position 2162, C replaced by T.
Protein change: p.Pro721Leu; replaces proline 721 with leucine.
Molecular consequence: missense variant.
Genome position (GRCh38, 1-based): chr4:15,540,995, C>T. VCF-style: chr4-15540995-C-T. GRCh37 (hg19) VCF-style: chr4-15542618-C-T.
Other names: c.2015C>T, p.Pro672Leu (NM_001378617.1); c.2162C>T, p.Pro721Leu (NM_001080522.2); short protein forms P672L, P721L.
Identifiers: ClinVar variation 1333661 (VCV001333661.7), dbSNP rs533830027, ClinGen allele CA92534104.

ClinVar aggregate classification (germline): Conflicting classifications of pathogenicity. Review status: criteria provided, conflicting classifications (1 of 4 stars). 2 submissions from 2 submitters: Likely pathogenic (1); Uncertain significance (1). Last evaluated 2025-01-07.

Conditions:
Joubert syndrome 9 (JBTS9). Identifiers: Orphanet 2318, MedGen C2676788, MONDO:0012849, OMIM 612285.
Joubert syndrome. Also called: JOUBERT-BOLTSHAUSER SYNDROME; Familial aplasia of the vermis. Identifiers: Orphanet 475, MedGen C5979921, MONDO:0018772.
Meckel-Gruber syndrome. Also called: DYSENCEPHALIA SPLANCHNOCYSTICA; GRUBER SYNDROME; Dysencephalia splachnocystica. Identifiers: Orphanet 564, MedGen C0265215, MONDO:0018921.

Allele frequency attached by ClinVar (database versions not stated): gnomAD 0.00001 and 0.00004; gnomAD exomes 0.00003; TOPMed 0.00004; 1000 Genomes Project 30x 0.00016; 1000 Genomes Project 0.00020.
gnomAD v4.1: 53 of 1,549,498 alleles (0.0034%); highest among the groups gnomAD compares: East Asian, 0.02%; 1 homozygote.

Submissions (2):

3billion
Classification: Likely pathogenic for Joubert syndrome 9. Last evaluated: 2025-01-07. Review status: criteria provided, single submitter. Criteria: ACMG Guidelines, 2015. Collection method: clinical testing. Allele origin: germline. Affected: yes.
Comment: The variant is observed at an extremely low frequency in the gnomAD v4.1.0 dataset (total allele frequency: 0.003%).Predicted Consequence/Location: Missense variant. The majority of the known disease-causing variants of this gene are variants expected to result in premature termination of the protein. The variant is in trans with NM_001378615.1:c.770T>G. n silico tool predictions suggest damaging effect of the variant on gene or gene product [REVEL: 0.89 (>=0.6, sensitivity 0.68 and specificity 0.92)]. The variant has been reported to be in trans with a pathogenic variant as either compound heterozygous or homozygous in at least one similarly affected unrelated individual (3billion dataset). Different missense changes at the same codon (p.Pro721Ser, p.Pro721Thr) have been reported to be associated with CC2D2A-related disorder (PMID: 19777577, 36307859).Therefore, this variant is classified as Likely pathogenic according to the recommendation of ACMG/AMP guideline.

Labcorp Genetics (formerly Invitae), Labcorp
Classification: Uncertain significance for Joubert syndrome; Meckel-Gruber syndrome. Last evaluated: 2021-08-30. Review status: criteria provided, single submitter. Criteria: Invitae Variant Classification Sherloc (09022015). Collection method: clinical testing. Allele origin: germline.
Comment: This sequence change replaces proline with leucine at codon 721 of the CC2D2A protein (p.Pro721Leu). The proline residue is highly conserved and there is a moderate physicochemical difference between proline and leucine. This variant is not present in population databases (ExAC no frequency). This variant has not been reported in the literature in individuals affected with CC2D2A-related conditions. Algorithms developed to predict the effect of missense changes on protein structure and function are either unavailable or do not agree on the potential impact of this missense change (SIFT: "Tolerated"; PolyPhen-2: "Probably Damaging"; Align-GVGD: "Class C0"). In summary, the available evidence is currently insufficient to determine the role of this variant in disease. Therefore, it has been classified as a Variant of Uncertain Significance.

Literature cited by the submitters: PubMed 19777577 (cited by 3billion).